The following is an entry in ClinVar:

NM_001034116.2(EIF2B4):c.32-1G>T

Gene: EIF2B4 (eukaryotic translation initiation factor 2B subunit delta; minus strand). Cytogenetic location: 2p23.3.
Variant type: single nucleotide variant.
Coding change: c.32-1G>T on transcript NM_001034116.2 (MANE Select); the canonical splice acceptor site of the intron before coding-DNA position 32, G replaced by T.
Molecular consequence: splice acceptor variant. On other transcripts: missense variant (2), 5 prime UTR variant (1).
Genome position (GRCh38, 1-based): chr2:27,369,920, C>A on the plus strand (G>T on the coding strand, the complement: EIF2B4 is on the minus strand). VCF-style: chr2-27369920-C-A. GRCh37 (hg19) VCF-style: chr2-27592787-C-A.
Other names: c.94G>T, p.Asp32Tyr (NM_001318965.2, NM_172195.4); c.-485G>T (NM_001318968.2); c.-55-1G>T (NM_001318967.2); c.32-1G>T (NM_015636.4); c.-561-1G>T (NM_001318969.2); c.-14-1G>T (NM_001318966.2); short protein forms D32Y.
Identifiers: ClinVar variation 1696337 (VCV001696337.4), dbSNP rs1682246203, ClinGen allele CA346203951.

ClinVar aggregate classification (germline): Likely pathogenic. Review status: criteria provided, multiple submitters, no conflicts (2 of 4 stars). 2 submissions from 2 submitters: Likely pathogenic (2). Last evaluated 2023-08-19.

Conditions:
Vanishing white matter disease. Also called: CACH syndrome; Childhood ataxia with diffuse central nervous system hypomyelination; Leukoencephalopathy with vanishing white matter; CACH/VWM syndrome; Cree leukoencehalopathy. Identifiers: Orphanet 135, Orphanet 99853, MedGen C1858991, MONDO:0800448.

Allele frequency attached by ClinVar (database versions not stated): TOPMed below 0.00001; gnomAD exomes 0.00002.
gnomAD v4.1: 25 of 1,582,556 alleles (0.0016%); highest among the groups gnomAD compares: Non-Finnish European, 0.0021%; no homozygotes.

Submissions (2):

Labcorp Genetics (formerly Invitae), Labcorp
Classification: Likely pathogenic. Last evaluated: 2023-08-19. Review status: criteria provided, single submitter. Criteria: Invitae Variant Classification Sherloc (09022015). Collection method: clinical testing. Allele origin: germline.
Comment: In summary, the currently available evidence indicates that the variant is pathogenic, but additional data are needed to prove that conclusively. Therefore, this variant has been classified as Likely Pathogenic. Algorithms developed to predict the effect of sequence changes on RNA splicing suggest that this variant may disrupt the consensus splice site. ClinVar contains an entry for this variant (Variation ID: 1696337). This variant has not been reported in the literature in individuals affected with EIF2B4-related conditions. This variant is not present in population databases (gnomAD no frequency). This sequence change affects an acceptor splice site in intron 1 of the EIF2B4 gene. It is expected to disrupt RNA splicing. Variants that disrupt the donor or acceptor splice site typically lead to a loss of protein function (PMID: 16199547), and loss-of-function variants in EIF2B4 are known to be pathogenic (PMID: 11835386, 15776425, 16807905).

Women's Health and Genetics/Laboratory Corporation of America, LabCorp
Classification: Likely pathogenic for Vanishing white matter disease. Last evaluated: 2022-05-19. Review status: criteria provided, single submitter. Criteria: LabCorp Variant Classification Summary - May 2015. Collection method: clinical testing. Allele origin: germline.
Comment: Variant summary: EIF2B4 c.32-1G>T is located in a canonical splice-site and is predicted to affect mRNA splicing resulting in a significantly altered protein due to either exon skipping, shortening, or inclusion of intronic material. Three of three in-silico tools predict a damaging effect of the variant on protein function. Several computational tools predict a significant impact on normal splicing: Four predict the variant abolishes a 3' acceptor site. However, these predictions have yet to be confirmed by functional studies. The variant was absent in 197358 control chromosomes. To our knowledge, no occurrence of c.32-1G>T in individuals affected with Leukoencephalopathy With Vanishing White Matter and no experimental evidence demonstrating its impact on protein function have been reported. Other splice-site variants have been reported in HGMD with Leukoencephalopathy. No clinical diagnostic laboratories have submitted clinical-significance assessments for this variant to ClinVar after 2014. Based on the evidence outlined above, the variant was classified as likely pathogenic.

Literature cited by the submitters: PubMed 16199547 (cited by Labcorp Genetics (formerly Invitae), Labcorp); PubMed 11835386 (cited by Labcorp Genetics (formerly Invitae), Labcorp); PubMed 15776425 (cited by Labcorp Genetics (formerly Invitae), Labcorp); PubMed 16807905 (cited by Labcorp Genetics (formerly Invitae), Labcorp).